The following is an entry in ClinVar:

NM_001267550.2(TTN):c.83985C>T (p.Asn27995=)

Genes: TTN-AS1 (TTN antisense RNA 1; plus strand), TTN (titin; minus strand). Cytogenetic location: 2q31.2.
Variant type: single nucleotide variant.
Coding change: c.83985C>T on transcript NM_001267550.2 (MANE Select); coding-DNA position 83985, C replaced by T.
Protein change: p.Asn27995=; no amino-acid change (asparagine 27995 retained).
Molecular consequence: synonymous variant.
Genome position (GRCh38, 1-based): chr2:178,562,147, G>A on the plus strand (C>T on the coding strand, the complement: TTN is on the minus strand). VCF-style: chr2-178562147-G-A. GRCh37 (hg19) VCF-style: chr2-179426874-G-A.
Other names: c.79062C>T, p.Asn26354= (NM_001256850.1); c.56790C>T, p.Asn18930= (NM_003319.4); c.76281C>T, p.Asn25427= (NM_133378.4); c.57165C>T, p.Asn19055= (NM_133432.3); c.57366C>T, p.Asn19122= (NM_133437.4).
Identifiers: ClinVar variation 332750 (VCV000332750.17), dbSNP rs766611189, ClinGen allele CA1988850.
Genomic context (GRCh38, chr2:178,562,147, plus strand): 5'-CTTTGAAGAAGAAACATTGACTCTAGTTGTCTCTTTAAGAGTCTGACCATCTTTTCTCCA[G>A]TTCACAGTAGCTTGAGGTCTTCCTTTGAATGGCACATCAATCTTAAGTTGTTCTCTAGCC-3'
Protein context (NP_001254479.2, residues 27985-28005): PFKGRPQATV[Asn27995=]WRKDGQTLKE

ClinVar aggregate classification (germline): Conflicting classifications of pathogenicity. Review status: criteria provided, conflicting classifications (1 of 4 stars). 8 submissions from 4 submitters: Uncertain significance (3); Likely benign (5). Last evaluated 2026-03-02.

Conditions:
Cardiovascular phenotype. Identifiers: MedGen CN230736.
Early-onset myopathy with fatal cardiomyopathy (CMYO5). Also called: Salih Myopathy; CONGENITAL MYOPATHY 5 WITH CARDIOMYOPATHY. Identifiers: Orphanet 289377, MedGen C2673677, MONDO:0012714, OMIM 611705. Disease mechanism: loss of function.
Autosomal recessive limb-girdle muscular dystrophy type 2J (LGMDR10). Also called: Limb-girdle muscular dystrophy, type 2J; MUSCULAR DYSTROPHY, LIMB-GIRDLE, AUTOSOMAL RECESSIVE 10. Identifiers: Orphanet 140922, MedGen C1837342, MONDO:0012127, OMIM 608807.
TTN-related disorder. Also called: TTN-related disorders; TTN-related condition; TTN-related disease.
Dilated cardiomyopathy 1G (CMD1G). Identifiers: Orphanet 154, MedGen C1858763, MONDO:0011400, OMIM 604145.
Myopathy, myofibrillar, 9, with early respiratory failure (MFM9). Also called: MYOPATHY, PROXIMAL, WITH EARLY RESPIRATORY MUSCLE INVOLVEMENT; Hereditary myopathy with early respiratory failure; Myopathy, distal, with early respiratory failure, autosomal dominant; EDSTROM MYOPATHY. Identifiers: Orphanet 178464, Orphanet 34521, MedGen C1863599, MONDO:0011362, OMIM 603689.
Tibial muscular dystrophy (TMD). Also called: UDD MYOPATHY; Tibial muscular dystrophy, tardive; Udd Distal Myopathy – Tibial Muscular Dystrophy. Identifiers: Orphanet 609, MedGen C1838244, MONDO:0010870, OMIM 600334.

Allele frequency attached by ClinVar (database versions not stated): gnomAD 0.00001; gnomAD exomes 0.00001 and 0.00002; ExAC 0.00002; TOPMed 0.00002.
gnomAD v4.1: 7 of 1,613,016 alleles (0.00043%); highest among the groups gnomAD compares: African/African-American, 0.0013%; no homozygotes.

Submissions (8):

PreventionGenetics, part of Exact Sciences
Classification: Likely benign for TTN-related condition. Last evaluated: 2026-03-02. Review status: criteria provided, single submitter. Criteria: ACMG Guidelines, 2015. Collection method: clinical testing. Allele origin: germline.
Comment: This variant is classified as likely benign based on ACMG/AMP sequence variant interpretation guidelines (Richards et al. 2015 PMID: 25741868, with internal and published modifications).

Labcorp Genetics (formerly Invitae), Labcorp
Classification: Likely benign for Dilated cardiomyopathy 1G; Autosomal recessive limb-girdle muscular dystrophy type 2J. Last evaluated: 2026-01-10. Review status: criteria provided, single submitter. Criteria: Invitae Variant Classification Sherloc (09022015). Collection method: clinical testing. Allele origin: germline.

Ambry Genetics
Classification: Likely benign for Cardiovascular phenotype. Last evaluated: 2025-01-19. Review status: criteria provided, single submitter. Criteria: Ambry Variant Classification Scheme 2023. Collection method: clinical testing. Allele origin: germline.

Illumina Laboratory Services, Illumina
Classification: Likely benign for Tibial muscular dystrophy. Last evaluated: 2018-01-12. Review status: criteria provided, single submitter. Criteria: ICSL Variant Classification Criteria 13 December 2019. Collection method: clinical testing. Allele origin: germline.
Comment: This variant was observed in the ICSL laboratory as part of a predisposition screen in an ostensibly healthy population. It had not been previously curated by ICSL or reported in the Human Gene Mutation Database (HGMD: prior to June 1st, 2018), and was therefore a candidate for classification through an automated scoring system. Utilizing variant allele frequency, disease prevalence and penetrance estimates, and inheritance mode, an automated score was calculated to assess if this variant is too frequent to cause the disease. Based on the score and internal cut-off values, a variant classified as likely benign is not then subjected to further curation. The score for this variant resulted in a classification of likely benign for this disease.

Illumina Laboratory Services, Illumina
Classification: Uncertain significance for Autosomal recessive limb-girdle muscular dystrophy type 2J. Last evaluated: 2018-01-12. Review status: criteria provided, single submitter. Criteria: ICSL Variant Classification Criteria 13 December 2019. Collection method: clinical testing. Allele origin: germline.

Illumina Laboratory Services, Illumina
Classification: Likely benign for Myopathy, myofibrillar, 9, with early respiratory failure. Last evaluated: 2018-01-12. Review status: criteria provided, single submitter. Criteria: ICSL Variant Classification Criteria 13 December 2019. Collection method: clinical testing. Allele origin: germline.
Comment: the same text as in the submission from Illumina Laboratory Services, Illumina above.

Illumina Laboratory Services, Illumina
Classification: Uncertain significance for Dilated cardiomyopathy 1G. Last evaluated: 2018-01-12. Review status: criteria provided, single submitter. Criteria: ICSL Variant Classification Criteria 13 December 2019. Collection method: clinical testing. Allele origin: germline.

Illumina Laboratory Services, Illumina
Classification: Uncertain significance for Early-onset myopathy with fatal cardiomyopathy. Last evaluated: 2018-01-12. Review status: criteria provided, single submitter. Criteria: ICSL Variant Classification Criteria 13 December 2019. Collection method: clinical testing. Allele origin: germline.